The following is an entry in ClinVar:

NM_000059.4(BRCA2):c.9839C>A (p.Pro3280His)

Gene: BRCA2 (BRCA2 DNA repair associated; plus strand). Cytogenetic location: 13q13.1.
Variant type: single nucleotide variant.
Coding change: c.9839C>A on transcript NM_000059.4 (MANE Select); coding-DNA position 9839, C replaced by A.
Protein change: p.Pro3280His; replaces proline 3280 with histidine.
Molecular consequence: missense variant.
Genome position (GRCh38, 1-based): chr13:32,398,352, C>A. VCF-style: chr13-32398352-C-A. GRCh37 (hg19) VCF-style: chr13-32972489-C-A.
Other names: 10067C>A; short protein forms P3280H.
Identifiers: ClinVar variation 52906 (VCV000052906.30), dbSNP rs80359246, ClinGen allele CA026311.

ClinVar aggregate classification (germline): Conflicting classifications of pathogenicity. Review status: criteria provided, conflicting classifications (1 of 4 stars). 13 submissions from 13 submitters: Uncertain significance (6); Likely benign (2). 5 of the submissions do not count toward it. Last evaluated 2026-02-03.

Conditions:
Breast and/or ovarian cancer. Identifiers: MedGen CN221562.
Hereditary breast ovarian cancer syndrome. Also called: Hereditary breast and ovarian cancer syndrome; Hereditary breast and ovarian cancer; Hereditary breast and ovarian cancer syndrome (HBOC); Breast and ovarian cancer; Hereditary breast and/or ovarian cancer syndrome; BRCA1- and BRCA2-Associated Hereditary Breast and Ovarian Cancer. Identifiers: Orphanet 145, MedGen C0677776, MeSH D061325, MONDO:0003582. Disease mechanism: loss of function.
Breast-ovarian cancer, familial, susceptibility to, 2 (BROVCA2). Also called: BRCA2 Hereditary Breast and Ovarian Cancer. Identifiers: Orphanet 145, MedGen C2675520, MONDO:0012933, OMIM 612555. Disease mechanism: loss of function.
Hereditary cancer-predisposing syndrome. Also called: Neoplastic Syndromes, Hereditary; Tumor predisposition; Hereditary neoplastic syndrome; Hereditary Cancer Syndrome. Identifiers: Orphanet 140162, MedGen C0027672, MeSH D009386, MONDO:0015356.

Allele frequency attached by ClinVar (database versions not stated): gnomAD 0.00001; ExAC 0.00002; gnomAD exomes 0.00002.
gnomAD v4.1: 11 of 1,614,004 alleles (0.00068%); highest among the groups gnomAD compares: South Asian, 0.0011%; no homozygotes.

Submissions (13):

Labcorp Genetics (formerly Invitae), Labcorp
Classification: Likely benign for Hereditary breast ovarian cancer syndrome. Last evaluated: 2026-02-03. Review status: criteria provided, single submitter. Criteria: Invitae Variant Classification Sherloc (09022015). Collection method: clinical testing. Allele origin: germline.

Ambry Genetics
Classification: Uncertain significance for Hereditary cancer-predisposing syndrome. Last evaluated: 2025-09-04. Review status: criteria provided, single submitter. Criteria: Ambry Variant Classification Scheme 2023. Collection method: clinical testing. Allele origin: germline.
Comment: The p.P3280H variant (also known as c.9839C>A), located in coding exon 26 of the BRCA2 gene, results from a C to A substitution at nucleotide position 9839. The proline at codon 3280 is replaced by histidine, an amino acid with similar properties. This amino acid position is highly conserved on sequence alignment. In addition, this alteration is predicted to be tolerated by in silico analysis. Based on the available evidence, the clinical significance of this variant remains unclear.

GeneDx
Classification: Uncertain significance. Last evaluated: 2024-02-11. Review status: criteria provided, single submitter. Criteria: GeneDx Variant Classification Process June 2021. Collection method: clinical testing. Allele origin: germline. Affected: yes.
Comment: Not observed at significant frequency in large population cohorts (gnomAD); In silico analysis supports that this missense variant has a deleterious effect on protein structure/function; Variant behaved similar to wild-type in functional assays measuring RAD51 foci formation and sensitivity to mitomyocin C and etopocide (PMID: 18593900); Also known as 10067C>A; This variant is associated with the following publications: (PMID: 11929857, 25348012, 24323938, 27062684, 24817641, 29884841, 32377563, 35402282, 31228304, 29684080, 34178674, 31853058, 37335020, 18593900)

Quest Diagnostics Nichols Institute San Juan Capistrano
Classification: Uncertain significance. Last evaluated: 2023-07-25. Review status: criteria provided, single submitter. Criteria: Quest Diagnostics criteria. Collection method: clinical testing. Allele origin: unknown.
Comment: In the published literature, this variant has been reported in individuals with breast cancer (PMID: 34178674 (2021), 31228304 (2019)). Published functional studies have reported that this variant does not have a deleterious effect on BRCA2 protein activity (PMID: 24323938 (2014), 18593900 (2008)). The frequency of this variant in the general population, 0.000016 (4/251302 chromosomes (Genome Aggregation Database)), is uninformative in the assessment of its pathogenicity. Analysis of this variant using bioinformatics tools for the prediction of the effect of amino acid changes on protein structure and function yielded conflicting predictions that this variant is benign or damaging. Based on the available information, we are unable to determine the clinical significance of this variant.

Sema4
Classification: Uncertain significance for Hereditary cancer-predisposing syndrome. Last evaluated: 2021-04-04. Review status: criteria provided, single submitter. Criteria: Sema4 Curation Guidelines. Collection method: curation. Allele origin: germline.
Comment: The BRCA2 c.9839C>A (p.F3280H) variant has been reported in heterozygosity in at least three individuals with breast cancer; however, one of them also had an unspecified pathogenic variant in BRCA1 or BRCA2 (PMID: 27062684, 31228304). A functional study demonstrated the normal function of the protein in response to cytotoxic agents and in the ability to form a foci with RAD51 (PMID: 18593900). This variant was observed in 4/251302 chromosomes in the Genome Aggregation Database (PMID: 32461654). This variant has been reported in ClinVar (Variation ID: 52906). This variant involves a highly conserved amino acid, and computational analyses do not provide strong support for or against an impact to the protein, though these predictions have not been confirmed by published functional studies. There is no indication that this variant causes disease, but the evidence is insufficient currently to prove that conclusively. In summary, the clinical significance of this variant is currently uncertain.

CHEO Genetics Diagnostic Laboratory, Children's Hospital of Eastern Ontario
Classification: Uncertain significance for Breast and/or ovarian cancer. Last evaluated: 2019-05-07. Review status: criteria provided, single submitter. Criteria: ACMG Guidelines, 2015. Collection method: clinical testing. Allele origin: germline.

Women's Health and Genetics/Laboratory Corporation of America, LabCorp
Classification: Uncertain significance. Last evaluated: 2018-09-28. Review status: criteria provided, single submitter. Criteria: LabCorp Variant Classification Summary - May 2015. Collection method: clinical testing. Allele origin: germline.
Comment: Variant summary: BRCA2 c.9839C>A (p.Pro3280His) results in a non-conservative amino acid change in the encoded protein sequence. Four of five in-silico tools predict a damaging effect of the variant on protein function. The variant allele was found at a frequency of 1.2e-05 in 246074 control chromosomes (gnomAD). The available data on variant occurrences in the general population are insufficient to allow any conclusion about variant significance. c.9839C>A has been reported in the literature in an individual affected with Hereditary Breast and Ovarian Cancer (Azzollini_2016), who was also indicated to carry another pathogenic variant, although the variant was not indicated. These report(s) do not provide unequivocal conclusions about association of the variant with Hereditary Breast and Ovarian Cancer. An in vitro study demonstrated the variant to behave similar to wild type BRCA2 in DNA damaging agent sensitivity and Rad51 foci formation assays indicating a possible neutral impact (Hucl_2008). Four ClinVar submissions from clinical diagnostic laboratories (evaluation after 2014) cite the variant twice as likely benign and twice as uncertain significance. Based on the evidence outlined above, the variant was classified as VUS-possibly benign.

Color Diagnostics, LLC DBA Color Health
Classification: Likely benign for Hereditary cancer-predisposing syndrome. Last evaluated: 2017-09-11. Review status: criteria provided, single submitter. Criteria: ACMG Guidelines, 2015. Collection method: clinical testing. Allele origin: germline.

Department of Medical and Surgical Sciences, University of Bologna
Classification: Likely benign for Breast-ovarian cancer, familial, susceptibility to, 2. Last evaluated: 2023-09-01. Review status: no assertion criteria provided. Collection method: clinical testing. Allele origin: germline. Affected: yes. Not counted in ClinVar's aggregate classification.
Comment: BP1(Strong) according to ACMG/AMP classification guidelines specified for BRCA1 & BRCA2 (Classification Criteria V1.0.0 2023-09-08) (PMID: 38160042)

BRCAlab, Lund University
Classification: Uncertain significance for Breast-ovarian cancer, familial, susceptibility to, 2. Last evaluated: 2020-03-02. Review status: no assertion criteria provided. Collection method: clinical testing. Allele origin: germline. Affected: yes. Not counted in ClinVar's aggregate classification.

Counsyl
Classification: Uncertain significance for Breast-ovarian cancer, familial, susceptibility to, 2. Last evaluated: 2015-12-16. Review status: no assertion criteria provided. Collection method: clinical testing. Allele origin: unknown. Not counted in ClinVar's aggregate classification.

Sharing Clinical Reports Project (SCRP)
Classification: Benign for Breast-ovarian cancer, familial 2. Last evaluated: 2012-05-01. Review status: no assertion criteria provided. Collection method: clinical testing. Allele origin: germline. Not counted in ClinVar's aggregate classification.

Breast Cancer Information Core (BIC) (BRCA2)
Classification: Uncertain significance for Breast-ovarian cancer, familial 2. Last evaluated: 2002-05-29. Review status: no assertion criteria provided. Collection method: clinical testing. Allele origin: germline. Affected: yes. Observed: 3 variant alleles. Not counted in ClinVar's aggregate classification.

Literature cited by the submitters: PubMed 18593900 (cited by 5 submitters); PubMed 27062684 (cited by 3 submitters); PubMed 29684080 (cited by Ambry Genetics); PubMed 31228304 (cited by 3 submitters); PubMed 35402282 (cited by Ambry Genetics); PubMed 24817641 (cited by Quest Diagnostics Nichols Institute San Juan Capistrano and Counsyl); PubMed 24323938 (cited by Quest Diagnostics Nichols Institute San Juan Capistrano and Women's Health and Genetics/Laboratory Corporation of America, LabCorp); PubMed 34178674 (cited by Quest Diagnostics Nichols Institute San Juan Capistrano); PubMed 25348012 (cited by Women's Health and Genetics/Laboratory Corporation of America, LabCorp and Counsyl).